The following is an entry in ClinVar:

ClinVar aggregate classification (germline): Uncertain significance. Review status: criteria provided, multiple submitters, no conflicts (2 of 4 stars). 2 submissions from 2 submitters: Uncertain significance (2). Last evaluated 2025-10-01.

Conditions:
Severe combined immunodeficiency due to DNA-PKcs deficiency. Also called: Immunodeficiency 26 with or without neurologic abnormalities; IMMUNODEFICIENCY 26 WITH NEUROLOGIC ABNORMALITIES. Identifiers: Orphanet 317425, MedGen C4014833, MONDO:0014423, OMIM 615966.

Allele frequency attached by ClinVar (database versions not stated): gnomAD exomes below 0.00001; TOPMed 0.00001.
gnomAD v4.1: 1 of 1,613,258 alleles (0.000062%); highest among the groups gnomAD compares: Non-Finnish European, 0.000085%; no homozygotes.

Submissions (2):

Labcorp Genetics (formerly Invitae), Labcorp
Classification: Uncertain significance for Severe combined immunodeficiency due to DNA-PKcs deficiency. Last evaluated: 2025-10-01. Review status: criteria provided, single submitter. Criteria: Invitae Variant Classification Sherloc (09022015). Collection method: clinical testing. Allele origin: germline.
Comment: This sequence change replaces threonine, which is neutral and polar, with alanine, which is neutral and non-polar, at codon 2203 of the PRKDC protein (p.Thr2203Ala). This variant is not present in population databases (gnomAD no frequency). This variant has not been reported in the literature in individuals affected with PRKDC-related conditions. ClinVar contains an entry for this variant (Variation ID: 962345). An algorithm developed to predict the effect of missense changes on protein structure and function outputs the following: PolyPhen-2: "Not Available". The alanine amino acid residue is found in multiple mammalian species, which suggests that this missense change does not adversely affect protein function. In summary, the available evidence is currently insufficient to determine the role of this variant in disease. Therefore, it has been classified as a Variant of Uncertain Significance.

Breakthrough Genomics
Classification: Uncertain significance. Review status: criteria provided, single submitter. Criteria: ACMG Guidelines, 2015. Collection method: not provided. Allele origin: germline. Inheritance: Autosomal recessive inheritance. Affected: yes.

NM_006904.7(PRKDC):c.6607A>G (p.Thr2203Ala)

Gene: PRKDC (protein kinase, DNA-activated, catalytic subunit; minus strand). Cytogenetic location: 8q11.21.
Variant type: single nucleotide variant.
Coding change: c.6607A>G on transcript NM_006904.7 (MANE Select); coding-DNA position 6607, A replaced by G.
Protein change: p.Thr2203Ala; replaces threonine 2203 with alanine.
Molecular consequence: missense variant.
Genome position (GRCh38, 1-based): chr8:47,857,158, T>C on the plus strand (A>G on the coding strand, the complement: PRKDC is on the minus strand). VCF-style: chr8-47857158-T-C. GRCh37 (hg19) VCF-style: chr8-48769719-T-C.
Other names: c.6607A>G, p.Thr2203Ala (NM_001081640.2); short protein forms T2203A.
Identifiers: ClinVar variation 962345 (VCV000962345.8), dbSNP rs2088560741, ClinGen allele CA371159824.